The following is an entry in ClinVar:

ClinVar aggregate classification (germline): Uncertain significance. Review status: criteria provided, multiple submitters, no conflicts (2 of 4 stars). 2 submissions from 2 submitters: Uncertain significance (2). Last evaluated 2026-07-01.

Conditions:
PCNT-related disorder. Also called: PCNT-related condition.

Allele frequency attached by ClinVar (database versions not stated): gnomAD 0.00001; gnomAD exomes 0.00001.
gnomAD v4.1: 33 of 1,612,190 alleles (0.002%); highest among the groups gnomAD compares: African/African-American, 0.004%; no homozygotes.

Submissions (2):

PreventionGenetics, part of Exact Sciences
Classification: Uncertain significance for PCNT-related condition. Last evaluated: 2026-07-01. Review status: criteria provided, single submitter. Criteria: ACMG Guidelines, 2015. Collection method: clinical testing. Allele origin: germline.
Comment: The PCNT c.7574G>A variant is predicted to result in the amino acid substitution p.Arg2525His. To our knowledge, this variant has not been reported in the literature. This variant is reported in 0.012% of alleles in individuals of African descent in gnomAD. At this time, the clinical significance of this variant is uncertain due to the absence of conclusive functional and genetic evidence.

Eurofins Ntd Llc (ga)
Classification: Uncertain significance. Last evaluated: 2017-06-07. Review status: criteria provided, single submitter. Criteria: EGL Classification Definitions 2015. Collection method: clinical testing. Allele origin: germline. Observed: 2 variant alleles, 2 heterozygotes.

NM_006031.6(PCNT):c.7574G>A (p.Arg2525His)

Gene: PCNT (pericentrin; plus strand). Cytogenetic location: 21q22.3.
Variant type: single nucleotide variant.
Coding change: c.7574G>A on transcript NM_006031.6 (MANE Select); coding-DNA position 7574, G replaced by A.
Protein change: p.Arg2525His; replaces arginine 2525 with histidine.
Molecular consequence: missense variant.
Genome position (GRCh38, 1-based): chr21:46,428,474, G>A. VCF-style: chr21-46428474-G-A. GRCh37 (hg19) VCF-style: chr21-47848388-G-A.
Other names: c.7220G>A, p.Arg2407His (NM_001315529.2); c.7574G>A (NM_006031.5); short protein forms R2525H, R2407H.
Identifiers: ClinVar variation 502313 (VCV000502313.6), dbSNP rs940897400, ClinGen allele CA322013310.